The following is an entry in ClinVar:

NM_001283009.2(RTEL1):c.2591A>C (p.Glu864Ala)

Genes: RTEL1 (regulator of telomere elongation helicase 1; plus strand), RTEL1-TNFRSF6B (RTEL1-TNFRSF6B readthrough (NMD candidate); plus strand). Cytogenetic location: 20q13.33.
Variant type: single nucleotide variant.
Coding change: c.2591A>C on transcript NM_001283009.2 (MANE Select); coding-DNA position 2591, A replaced by C.
Protein change: p.Glu864Ala; replaces glutamic acid 864 with alanine.
Molecular consequence: missense variant. On other transcripts: non-coding transcript variant (1).
Genome position (GRCh38, 1-based): chr20:63,691,776, A>C. VCF-style: chr20-63691776-A-C. GRCh37 (hg19) VCF-style: chr20-62323129-A-C.
Other names: c.1922A>C, p.Glu641Ala (NM_001283010.1); c.2591A>C, p.Glu864Ala (NM_016434.4); c.2663A>C, p.Glu888Ala (NM_032957.5); short protein forms E864A, E641A, E888A.
Identifiers: ClinVar variation 1470442 (VCV001470442.9), dbSNP rs2145439184, ClinGen allele CA409682319.

ClinVar aggregate classification (germline): Uncertain significance. Review status: criteria provided, multiple submitters, no conflicts (2 of 4 stars). 2 submissions from 2 submitters: Uncertain significance (2). Last evaluated 2024-12-04.

Conditions:
Pulmonary fibrosis and/or bone marrow failure, Telomere-related, 3. Also called: PULMONARY FIBROSIS AND/OR BONE MARROW FAILURE SYNDROME, TELOMERE-RELATED, 3. Identifiers: Orphanet 2032, MedGen C4225346, MONDO:0014613, OMIM 616373.
Dyskeratosis congenita, autosomal recessive 5 (DKCB5). Identifiers: MedGen C3554656, MONDO:0014076, OMIM 615190.
Inborn genetic diseases. Identifiers: MedGen C0950123, MeSH D030342.

Allele frequency attached by ClinVar (database versions not stated): gnomAD exomes below 0.00001.
gnomAD v4.1: 1 of 1,612,290 alleles (0.000062%); no homozygotes.

Submissions (2):

Ambry Genetics
Classification: Uncertain significance for Inborn genetic diseases. Last evaluated: 2024-12-04. Review status: criteria provided, single submitter. Criteria: Ambry Variant Classification Scheme 2023. Collection method: clinical testing. Allele origin: germline.
Comment: The p.E864A variant (also known as c.2591A>C), located in coding exon 27 of the RTEL1 gene, results from an A to C substitution at nucleotide position 2591. The glutamic acid at codon 864 is replaced by alanine, an amino acid with dissimilar properties. This amino acid position is conserved. In addition, this alteration is predicted to be tolerated by in silico analysis. Based on the available evidence, the clinical significance of this variant remains unclear.

Labcorp Genetics (formerly Invitae), Labcorp
Classification: Uncertain significance for Dyskeratosis congenita, autosomal recessive 5; Pulmonary fibrosis and/or bone marrow failure, Telomere-related, 3. Last evaluated: 2022-09-27. Review status: criteria provided, single submitter. Criteria: Invitae Variant Classification Sherloc (09022015). Collection method: clinical testing. Allele origin: germline.
Comment: This variant is not present in population databases (gnomAD no frequency). In summary, the available evidence is currently insufficient to determine the role of this variant in disease. Therefore, it has been classified as a Variant of Uncertain Significance. Algorithms developed to predict the effect of missense changes on protein structure and function output the following: SIFT: "Tolerated"; PolyPhen-2: "Benign"; Align-GVGD: "Class C0". The alanine amino acid residue is found in multiple mammalian species, which suggests that this missense change does not adversely affect protein function. ClinVar contains an entry for this variant (Variation ID: 1470442). This variant has not been reported in the literature in individuals affected with RTEL1-related conditions. This sequence change replaces glutamic acid, which is acidic and polar, with alanine, which is neutral and non-polar, at codon 864 of the RTEL1 protein (p.Glu864Ala).